The following is an entry in ClinVar:

ClinVar aggregate classification (germline): Likely benign. Review status: criteria provided, single submitter (1 of 4 stars). 2 submissions from 2 submitters: Likely benign (1). 1 of the submissions does not count toward it.

Conditions:
CHD4-related disorder. Also called: CHD4-related condition.

Allele frequency attached by ClinVar (database versions not stated): TOPMed 0.00001; gnomAD 0.00002; gnomAD exomes 0.00002; ESP Exome Variant Server 0.00008; ExAC 0.00004.
gnomAD v4.1: 27 of 1,552,052 alleles (0.0017%); highest among the groups gnomAD compares: Middle Eastern, 0.068%; no homozygotes.

Submissions (2):

Breakthrough Genomics
Classification: Likely benign. Review status: criteria provided, single submitter. Criteria: ACMG Guidelines, 2015. Collection method: not provided. Allele origin: germline. Inheritance: Autosomal dominant inheritance. Affected: yes.

PreventionGenetics, part of Exact Sciences
Classification: Likely benign for CHD4-related condition. Last evaluated: 2019-05-04. Review status: no assertion criteria provided. Collection method: clinical testing. Allele origin: germline. Not counted in ClinVar's aggregate classification.
Comment: This variant is classified as likely benign based on ACMG/AMP sequence variant interpretation guidelines (Richards et al. 2015 PMID: 25741868, with internal and published modifications).

NM_001273.5(CHD4):c.5362-3C>T

Genes: CHD4 (chromodomain helicase DNA binding protein 4; minus strand), CHD4-AS1 (CHD4 antisense RNA 1; plus strand). Cytogenetic location: 12p13.31.
Variant type: single nucleotide variant.
Coding change: c.5362-3C>T on transcript NM_001273.5 (MANE Select); 3 bases into the intron before coding-DNA position 5362, C replaced by T.
Molecular consequence: intron variant.
Genome position (GRCh38, 1-based): chr12:6,573,272, G>A on the plus strand (C>T on the coding strand, the complement: CHD4 is on the minus strand). VCF-style: chr12-6573272-G-A. GRCh37 (hg19) VCF-style: chr12-6682438-G-A.
Other names: c.5329-3C>T (NM_001363606.2); c.5341-3C>T (NM_001297553.2).
Identifiers: ClinVar variation 3037369 (VCV003037369.3), dbSNP rs371667614, ClinGen allele CA6411223.
Genomic context (GRCh38, chr12:6,573,272, plus strand): 5'-TGTTCAAGTAAGCAGCCCGGCGCAGCTGTTCCTCAATCACCAGAGCTTGTTCTAAGAGCT[G>A]GACAAGGGATAAGAGGAAACGGGAGTTCGACTGATAACTCACTTTACTCACTTCTGACTG-3'